The following is an entry in ClinVar:

ClinVar aggregate classification (germline): Pathogenic/Likely pathogenic. Review status: criteria provided, multiple submitters, no conflicts (2 of 4 stars). 7 submissions from 7 submitters: Pathogenic (6); Likely pathogenic (1). Last evaluated 2025-10-23.

Conditions:
Acid sphingomyelinase deficiency. Identifiers: Orphanet 618899, MedGen C5243927, MONDO:0100464.
Niemann-Pick disease, type A. Also called: SPHINGOMYELIN LIPIDOSIS; SPHINGOMYELINASE DEFICIENCY; Infantile Neurovisceral ASMD (Niemann-Pick Disease Type A; NPD-A). Identifiers: Orphanet 77292, MedGen C0268242, MONDO:0009756, OMIM 257200. Disease mechanism: loss of function.
Niemann-Pick disease, type B. Also called: Chronic Visceral ASMD (Niemann-Pick Disease Type B; NPD-B). Identifiers: Orphanet 77293, MedGen C0268243, MONDO:0011871, OMIM 607616. Disease mechanism: loss of function.

Allele frequency attached by ClinVar (database versions not stated): TOPMed below 0.00001; ExAC 0.00001; gnomAD 0.00001; gnomAD exomes 0.00001.

Submissions (7):

Natera, Inc.
Classification: Pathogenic for Niemann-Pick Disease, Types A/B. Last evaluated: 2025-10-23. Review status: criteria provided, single submitter. Criteria: Natera Variant Classification Schema (03/2026). Collection method: clinical testing. Allele origin: germline.
Comment: The c.1675_1676delGT variant in SMPD1 is a frameshift variant predicted to shift the reading frame beginning at codon 559 and leads to a stop codon 19 codons downstream. This variant is expected to result in nonsense mediated decay, truncation, or a dysfunctional protein product. This variant is rare in the general population with a frequency below the threshold expected for the associated phenotype(s). This variant has been observed in one or more individuals affected with the associated recessive disease, as either homozygous or compound heterozygous with a second variant (PMID: 16010684). Given the available evidence, this variant is classified as Pathogenic.

Labcorp Genetics (formerly Invitae), Labcorp
Classification: Pathogenic for Niemann-Pick disease, type B; Niemann-Pick disease, type A. Last evaluated: 2025-10-09. Review status: criteria provided, single submitter. Criteria: Invitae Variant Classification Sherloc (09022015). Collection method: clinical testing. Allele origin: germline.
Comment: This sequence change creates a premature translational stop signal (p.Val559Ilefs*19) in the SMPD1 gene. While this is not anticipated to result in nonsense mediated decay, it is expected to disrupt the last 73 amino acid(s) of the SMPD1 protein. This variant is present in population databases (rs759389193, gnomAD 0.003%). This premature translational stop signal has been observed in individual(s) with Niemann-Pick disease type A or B (PMID: 16010684, 22818240). ClinVar contains an entry for this variant (Variation ID: 633426). Algorithms developed to predict the effect of variants on gene product structure and function are not available or were not evaluated for this variant. Experimental studies have shown that this premature translational stop signal affects SMPD1 function (PMID: 16010684). For these reasons, this variant has been classified as Pathogenic.

Myriad Genetics, Inc.
Classification: Pathogenic for Acid sphingomyelinase deficiency. Last evaluated: 2025-06-30. Review status: criteria provided, single submitter. Criteria: Myriad Autosomal Dominant, Autosomal Recessive and X-Linked Classification Criteria (2023). Collection method: clinical testing. Allele origin: unknown.
Comment: NM_000543.4(SMPD1):c.1675_1676delGT(V559Ifs*19) is a frameshift variant classified as pathogenic in the context of Niemann-Pick disease, SMPD1-related. V559Ifs*19 has been observed in cases with relevant disease (PMID: 16010684, 22818240, 38992987). Relevant functional assessments of this variant are available in the literature (PMID: 16010684). V559Ifs*19 has been observed in referenced population frequency databases. In summary, NM_000543.4(SMPD1):c.1675_1676delGT(V559Ifs*19) is a frameshift variant that has functional support for pathogenicity and has been observed more frequently in cases with the relevant disease than in healthy populations. Please note: this variant was assessed in the context of healthy population screening.

GeneDx
Classification: Pathogenic. Last evaluated: 2024-05-19. Review status: criteria provided, single submitter. Criteria: GeneDx Variant Classification Process June 2021. Collection method: clinical testing. Allele origin: germline. Affected: yes.
Comment: Published functional studies demonstrate a damaging effect on the SMPD1 protein and acid sphingomyelinase activity (PMID: 16010684); Frameshift variant predicted to result in abnormal protein length as the last 73 amino acids are replaced with 18 different amino acids, and other similar variants have been reported in HGMD; Not observed at significant frequency in large population cohorts (gnomAD); This variant is associated with the following publications: (PMID: 22818240, 16010684)

Fulgent Genetics
Classification: Pathogenic for Niemann-Pick disease, type A; Niemann-Pick disease, type B. Last evaluated: 2024-04-10. Review status: criteria provided, single submitter. Criteria: ACMG Guidelines, 2015. Collection method: clinical testing. Allele origin: germline.

MGZ Medical Genetics Center
Classification: Likely pathogenic for Niemann-Pick disease, type A. Last evaluated: 2022-02-08. Review status: criteria provided, single submitter. Criteria: ACMG Guidelines, 2015. Collection method: clinical testing. Allele origin: germline. Affected: yes. Observed: 2 variant alleles.
Comment: ACMG criteria applied: PVS1_STR, PS4_MOD, PM3, PM2_SUP

Women's Health and Genetics/Laboratory Corporation of America, LabCorp
Classification: Pathogenic. Last evaluated: 2018-08-30. Review status: criteria provided, single submitter. Criteria: LabCorp Variant Classification Summary - May 2015. Collection method: clinical testing. Allele origin: germline.
Comment: Variant summary: SMPD1 c.1675_1676delGT (p.Val559IlefsX19) results in a premature termination codon, predicted to cause a truncation of the encoded protein or absence of the protein due to nonsense mediated decay, which are commonly known mechanisms for disease. The variant allele was found at a frequency of 1.2e-05 in 246262 control chromosomes (gnomAD). c.1675_1676delGT has been reported in the literature in individuals affected with Niemann-Pick Disease ((Dardis_2005, Hollak_2012). These data indicate that the variant may be associated with disease. At least one publication reports experimental evidence evaluating an impact on protein function. The most pronounced variant effect results in <10% of normal activity (Dardis_2005). No clinical diagnostic laboratories have submitted clinical-significance assessments for this variant to ClinVar after 2014. Based on the evidence outlined above, the variant was classified as pathogenic.

Literature cited by the submitters: PubMed 16010684 (cited by 4 submitters); PubMed 22818240 (cited by 3 submitters); PubMed 38992987 (cited by Myriad Genetics, Inc.).

NM_000543.5(SMPD1):c.1675_1676del (p.Val559fs)

Gene: SMPD1 (sphingomyelin phosphodiesterase 1; plus strand). Cytogenetic location: 11p15.4.
Variant type: Deletion.
Coding change: c.1675_1676del on transcript NM_000543.5 (MANE Select); coding-DNA positions 1675 to 1676, 2 bases deleted (GT; older notation c.1675_1676delGT).
Protein change: p.Val559fs; shifts the reading frame from valine 559.
Molecular consequence: frameshift variant. On other transcripts: 3 prime UTR variant (1), non-coding transcript variant (2).
Genome position (GRCh38, 1-based): chr11:6,394,386-6,394,387, GT deleted. VCF-style (leftmost placement, unchanged base first): chr11-6394385-GGT-G. GRCh37 (hg19) VCF-style: chr11-6415615-GGT-G.
Other names: c.1672_1673del, p.Val558fs (NM_001007593.3); c.*168_*169del (NM_001318087.2); c.754_755del, p.Val252fs (NM_001318088.2); c.1543_1544del, p.Val515fs (NM_001365135.2); c.1675_1676del (NM_000543.4); short protein forms V558fs, V559fs, V252fs, V515fs.
Identifiers: ClinVar variation 633426 (VCV000633426.16), dbSNP rs759389193, ClinGen allele CA5852962.